The following is an entry in ClinVar:

ClinVar aggregate classification (germline): Uncertain significance. Review status: reviewed by expert panel (3 of 4 stars). 2 submissions from 2 submitters: Uncertain significance (1). 1 of the submissions does not count toward it. Last evaluated 2024-09-18.

Conditions:
Hereditary thrombocytopenia and hematologic cancer predisposition syndrome. Identifiers: Orphanet 71290, MedGen CN281654, MONDO:0011071.
Hereditary thrombocytopenia and hematological cancer predisposition syndrome associated with RUNX1. Also called: RUNX1 Familial Platelet Disorder with Associated Myeloid Malignancies; PLATELET DISORDER, ASPIRIN-LIKE; Familial Platelet Disorder with Propensity to Acute Myelogenous Leukemia; Familial thrombocytopenia with propensity to acute myelogenous leukemia. Identifiers: Orphanet 71290, MedGen C1832388, MeSH C563324, MONDO:0100083, OMIM 601399.

Submissions (2):

ClinGen Myeloid Malignancy Variant Curation Expert Panel
Classification: Uncertain significance for Hereditary thrombocytopenia and hematologic cancer predisposition syndrome. Last evaluated: 2024-09-18. Review status: reviewed by expert panel. Criteria: ClinGen MyeloMalig ACMG Specifications v2. Collection method: curation. Allele origin: germline. Inheritance: Autosomal dominant inheritance.
Comment: NM_001754.5(RUNX1):c.1034C>A (p.Pro345His) is a missense variant which does not meet any ACMG/AMP criteria. In summary, the clinical significance of this variant is uncertain. ACMG/AMP criteria applied, as specified by the Myeloid Malignancy Variant Curation Expert Panel for RUNX1: None.

Labcorp Genetics (formerly Invitae), Labcorp
Classification: Uncertain significance for Hereditary thrombocytopenia and hematological cancer predisposition syndrome associated with RUNX1. Last evaluated: 2023-07-28. Review status: criteria provided, single submitter. Criteria: Invitae Variant Classification Sherloc (09022015). Collection method: clinical testing. Allele origin: germline. Not counted in ClinVar's aggregate classification.
Comment: This variant has not been reported in the literature in individuals affected with RUNX1-related conditions. ClinVar contains an entry for this variant (Variation ID: 854013). Advanced modeling of protein sequence and biophysical properties (such as structural, functional, and spatial information, amino acid conservation, physicochemical variation, residue mobility, and thermodynamic stability) performed at Invitae indicates that this missense variant is not expected to disrupt RUNX1 protein function. In summary, the available evidence is currently insufficient to determine the role of this variant in disease. Therefore, it has been classified as a Variant of Uncertain Significance. This sequence change replaces proline, which is neutral and non-polar, with histidine, which is basic and polar, at codon 345 of the RUNX1 protein (p.Pro345His). This variant is not present in population databases (gnomAD no frequency).

NM_001754.5(RUNX1):c.1034C>A (p.Pro345His)

Gene: RUNX1 (RUNX family transcription factor 1; minus strand). Cytogenetic location: 21q22.12.
Variant type: single nucleotide variant.
Coding change: c.1034C>A on transcript NM_001754.5 (MANE Select); coding-DNA position 1034, C replaced by A.
Protein change: p.Pro345His; replaces proline 345 with histidine.
Molecular consequence: missense variant.
Genome position (GRCh38, 1-based): chr21:34,792,544, G>T on the plus strand (C>A on the coding strand, the complement: RUNX1 is on the minus strand). VCF-style: chr21-34792544-G-T. GRCh37 (hg19) VCF-style: chr21-36164841-G-T.
Other names: NM_001754.5(RUNX1):c.1034C>A; p.Pro345His; c.953C>A, p.Pro318His (NM_001001890.3); short protein forms P318H, P345H.
Identifiers: ClinVar variation 854013 (VCV000854013.10), dbSNP rs774629580, ClinGen allele CA410148474.